The following is an entry in ClinVar:

ClinVar aggregate classification (germline): Uncertain significance. Review status: criteria provided, multiple submitters, no conflicts (2 of 4 stars). 3 submissions from 3 submitters: Uncertain significance (2). 1 of the submissions does not count toward it. Last evaluated 2025-10-25.

Conditions:
VPS33B-related disorder. Also called: VPS33B-related condition.
Cholestasis, progressive familial intrahepatic, 12 (PFIC12). Also called: CHOLESTASIS, ISOLATED LOW-GGT. Identifiers: MedGen C5774311, MONDO:0031040, OMIM 620010.
Arthrogryposis, renal dysfunction, and cholestasis 1 (ARCS1). Identifiers: Orphanet 2697, MedGen C1859722, MONDO:0008822, OMIM 208085.
Keratoderma-ichthyosis-deafness syndrome, autosomal recessive (KDIDAR). Identifiers: MedGen C5774200, MONDO:0859278, OMIM 620009.

gnomAD v4.1: 6 of 1,612,104 alleles (0.00037%); highest among the groups gnomAD compares: South Asian, 0.0022%; no homozygotes.

Submissions (3):

Mayo Clinic Laboratories, Mayo Clinic
Classification: Uncertain significance. Last evaluated: 2025-10-25. Review status: criteria provided, single submitter. Criteria: ACMG Guidelines, 2015. Collection method: clinical testing. Allele origin: germline. Observed: 1 variant allele.
Comment: PM2_supporting

Fulgent Genetics
Classification: Uncertain significance for Arthrogryposis, renal dysfunction, and cholestasis 1; Keratoderma-ichthyosis-deafness syndrome, autosomal recessive; Cholestasis, progressive familial intrahepatic, 12. Last evaluated: 2024-03-20. Review status: criteria provided, single submitter. Criteria: ACMG Guidelines, 2015. Collection method: clinical testing. Allele origin: germline.

PreventionGenetics, part of Exact Sciences
Classification: Uncertain significance for VPS33B-related condition. Last evaluated: 2024-03-26. Review status: no assertion criteria provided. Collection method: clinical testing. Allele origin: germline. Not counted in ClinVar's aggregate classification.
Comment: The VPS33B c.1487G>A variant is predicted to result in the amino acid substitution p.Arg496His. To our knowledge, this variant has not been reported in the literature. This variant is reported in 0.0062% of alleles in individuals of African descent in gnomAD. At this time, the clinical significance of this variant is uncertain due to the absence of conclusive functional and genetic evidence.

NM_018668.5(VPS33B):c.1487G>A (p.Arg496His)

Gene: VPS33B (VPS33B late endosome and lysosome associated; minus strand). Cytogenetic location: 15q26.1.
Variant type: single nucleotide variant.
Coding change: c.1487G>A on transcript NM_018668.5 (MANE Select); coding-DNA position 1487, G replaced by A.
Protein change: p.Arg496His; replaces arginine 496 with histidine.
Molecular consequence: missense variant.
Genome position (GRCh38, 1-based): chr15:91,000,584, C>T on the plus strand (G>A on the coding strand, the complement: VPS33B is on the minus strand). VCF-style: chr15-91000584-C-T. GRCh37 (hg19) VCF-style: chr15-91543814-C-T.
Other names: p.Arg496His; c.1406G>A, p.Arg469His (NM_001289148.1); c.1214G>A, p.Arg405His (NM_001289149.1); short protein forms R405H, R469H, R496H.
Identifiers: ClinVar variation 3357450 (VCV003357450.3).